The following is an entry in ClinVar:

ClinVar aggregate classification (germline): Pathogenic (1 of 4 stars; one submission).

Conditions:
Congenital glucose-galactose malabsorption (GGM). Also called: MONOSACCHARIDE MALABSORPTION; DIARRHEA 16. Identifiers: Orphanet 35710, MedGen C0268186, MONDO:0011731, OMIM 606824.

Allele frequency attached by ClinVar (database versions not stated): ExAC 0.00001.
gnomAD v4.1: 8 of 1,614,032 alleles (0.0005%); highest among the groups gnomAD compares: Non-Finnish European, 0.00068%; no homozygotes.

Submission:

Labcorp Genetics (formerly Invitae), Labcorp
Classification: Pathogenic for Congenital glucose-galactose malabsorption. Last evaluated: 2023-12-15. Review status: criteria provided, single submitter. Criteria: Invitae Variant Classification Sherloc (09022015). Collection method: clinical testing. Allele origin: germline.
Comment: This sequence change creates a premature translational stop signal (p.Tyr410*) in the SLC5A1 gene. It is expected to result in an absent or disrupted protein product. Loss-of-function variants in SLC5A1 are known to be pathogenic (PMID: 8563765). This variant is present in population databases (rs200206252, gnomAD 0.002%). This variant has not been reported in the literature in individuals affected with SLC5A1-related conditions. ClinVar contains an entry for this variant (Variation ID: 341251). For these reasons, this variant has been classified as Pathogenic.

Literature cited by the submitters: PubMed 8563765.

NM_000343.4(SLC5A1):c.1230C>G (p.Tyr410Ter)

Gene: SLC5A1 (solute carrier family 5 member 1; plus strand). Cytogenetic location: 22q12.3.
Variant type: single nucleotide variant.
Coding change: c.1230C>G on transcript NM_000343.4 (MANE Select); coding-DNA position 1230, C replaced by G.
Protein change: p.Tyr410Ter; replaces tyrosine 410 with a stop codon.
Molecular consequence: nonsense.
Genome position (GRCh38, 1-based): chr22:32,091,712, C>G. VCF-style: chr22-32091712-C-G. GRCh37 (hg19) VCF-style: chr22-32487699-C-G.
Other names: c.849C>G, p.Tyr283Ter (NM_001256314.2); short protein forms Y410*, Y283*.
Identifiers: ClinVar variation 341251 (VCV000341251.8), dbSNP rs200206252, ClinGen allele CA10198188.